The following is an entry in ClinVar:

ClinVar aggregate classification (germline): Uncertain significance (1 of 4 stars; one submission).

Conditions:
Cornelia de Lange syndrome 1 (CDLS1). Also called: TYPUS DEGENERATIVUS AMSTELODAMENSIS; NIPBL-Related Cornelia de Lange Syndrome; Brachmann de Lange syndrome. Identifiers: Orphanet 199, MedGen C4551851, MONDO:0007387, OMIM 122470.

Allele frequency attached by ClinVar (database versions not stated): gnomAD exomes below 0.00001.
gnomAD v4.1: 1 of 1,613,834 alleles (0.000062%); highest among the groups gnomAD compares: Non-Finnish European, 0.000085%; no homozygotes.

Submission:

Labcorp Genetics (formerly Invitae), Labcorp
Classification: Uncertain significance for Cornelia de Lange syndrome 1. Last evaluated: 2022-08-22. Review status: criteria provided, single submitter. Criteria: Invitae Variant Classification Sherloc (09022015). Collection method: clinical testing. Allele origin: germline.
Comment: In summary, the available evidence is currently insufficient to determine the role of this variant in disease. Therefore, it has been classified as a Variant of Uncertain Significance. Advanced modeling of protein sequence and biophysical properties (such as structural, functional, and spatial information, amino acid conservation, physicochemical variation, residue mobility, and thermodynamic stability) performed at Invitae indicates that this missense variant is not expected to disrupt NIPBL protein function. This variant has not been reported in the literature in individuals affected with NIPBL-related conditions. This variant is not present in population databases (gnomAD no frequency). This sequence change replaces serine, which is neutral and polar, with threonine, which is neutral and polar, at codon 900 of the NIPBL protein (p.Ser900Thr).

NM_133433.4(NIPBL):c.2698T>A (p.Ser900Thr)

Gene: NIPBL (NIPBL cohesin loading factor; plus strand). Cytogenetic location: 5p13.2.
Variant type: single nucleotide variant.
Coding change: c.2698T>A on transcript NM_133433.4 (MANE Select); coding-DNA position 2698, T replaced by A.
Protein change: p.Ser900Thr; replaces serine 900 with threonine.
Molecular consequence: missense variant.
Genome position (GRCh38, 1-based): chr5:36,985,878, T>A. VCF-style: chr5-36985878-T-A. GRCh37 (hg19) VCF-style: chr5-36985980-T-A.
Other names: c.2698T>A, p.Ser900Thr (NM_015384.5); short protein forms S900T.
Identifiers: ClinVar variation 2191976 (VCV002191976.4), dbSNP rs2477936578, ClinGen allele CA359504137.